The following is an entry in ClinVar:

NM_004260.4(RECQL4):c.2051_2052del (p.Thr684fs)

Gene: RECQL4 (RecQ like helicase 4; minus strand). Cytogenetic location: 8q24.3.
Variant type: Microsatellite.
Coding change: c.2051_2052del on transcript NM_004260.4 (MANE Select); coding-DNA positions 2051 to 2052, 2 bases deleted (CA; older notation c.2051_2052delCA).
Protein change: p.Thr684fs; shifts the reading frame from threonine 684.
Molecular consequence: frameshift variant.
Genome position (GRCh38, 1-based): chr8:144,513,934-144,513,935, TG deleted on the plus strand (CA on the coding strand, the reverse complement: RECQL4 is on the minus strand); deleting any 2 consecutive bases within chr8:144,513,934-144,513,938 gives the same sequence; the c. name uses the placement nearest the transcript's 3' end. VCF-style (leftmost placement, unchanged base first): chr8-144513933-CTG-C. GRCh37 (hg19) VCF-style: chr8-145739317-CTG-C.
Other names: c.1952_1953AC[1], p.Thr652Argfs (NM_001413017.1, NM_001413020.1); c.2048_2049AC[1], p.Thr684Argfs (NM_001413018.1, NM_001413019.1, NM_001413036.1); c.977_978AC[1], p.Thr327Argfs (NM_001413021.1, NM_001413022.1, NM_001413023.1 and 6 more transcripts); c.1919_1920AC[1], p.Thr641Argfs (NM_001413025.1); c.911_912AC[1], p.Thr305Argfs (NM_001413027.1, NM_001413030.1, NM_001413032.1 and 1 more transcripts); c.1697_1698AC[1], p.Thr567Argfs (NM_001413029.1); c.779_780AC[1], p.Thr261Argfs (NM_001413031.1); c.1916_1917AC[1], p.Thr640Argfs (NM_001413033.1); and 4 more; short protein forms T684fs.
Identifiers: ClinVar variation 2039789 (VCV002039789.4), dbSNP rs2538030826, ClinGen allele CA2580616025.

ClinVar aggregate classification (germline): Pathogenic (1 of 4 stars; one submission).

Conditions:
Baller-Gerold syndrome (BGS). Also called: CRANIOSYNOSTOSIS WITH RADIAL DEFECTS. Identifiers: Orphanet 1225, MedGen C0265308, MONDO:0009039, OMIM 218600.

Submission:

Labcorp Genetics (formerly Invitae), Labcorp
Classification: Pathogenic for Baller-Gerold syndrome. Last evaluated: 2021-12-11. Review status: criteria provided, single submitter. Criteria: Invitae Variant Classification Sherloc (09022015). Collection method: clinical testing. Allele origin: germline.
Comment: This sequence change creates a premature translational stop signal (p.Thr684Argfs*124) in the RECQL4 gene. It is expected to result in an absent or disrupted protein product. Loss-of-function variants in RECQL4 are known to be pathogenic (PMID: 12734318, 12952869). This variant is not present in population databases (gnomAD no frequency). This variant has not been reported in the literature in individuals affected with RECQL4-related conditions. For these reasons, this variant has been classified as Pathogenic.

Literature cited by the submitters: PubMed 12734318; PubMed 12952869.